The following is an entry in ClinVar:

ClinVar aggregate classification (germline): Likely benign. Review status: criteria provided, single submitter (1 of 4 stars). 2 submissions from 2 submitters: Likely benign (1). 1 of the submissions does not count toward it. Last evaluated 2024-02-24.

Conditions:
CHD7-related disorder. Also called: CHD7-related condition.
CHARGE syndrome (CHARGE). Also called: Coloboma, heart anomaly, choanal atresia, retardation, genital and ear anomalies; CHARGE association; Hall-Hittner syndrome; Hittner Hirsch Kreh syndrome; CHARGE ASSOCIATION--COLOBOMA, HEART ANOMALY, CHOANAL ATRESIA, RETARDATION, GENITAL AND EAR ANOMALIES. Identifiers: Orphanet 138, MedGen C0265354, MONDO:0008965.

Allele frequency attached by ClinVar (database versions not stated): gnomAD exomes below 0.00001; TOPMed 0.00001.
gnomAD v4.1: 1 of 1,613,898 alleles (0.000062%); highest among the groups gnomAD compares: Non-Finnish European, 0.000085%; no homozygotes.

Submissions (2):

Labcorp Genetics (formerly Invitae), Labcorp
Classification: Likely benign for CHARGE syndrome. Last evaluated: 2024-02-24. Review status: criteria provided, single submitter. Criteria: Invitae Variant Classification Sherloc (09022015). Collection method: clinical testing. Allele origin: germline.

PreventionGenetics, part of Exact Sciences
Classification: Likely benign for CHD7-related condition. Last evaluated: 2024-04-03. Review status: no assertion criteria provided. Collection method: clinical testing. Allele origin: germline. Not counted in ClinVar's aggregate classification.
Comment: This variant is classified as likely benign based on ACMG/AMP sequence variant interpretation guidelines (Richards et al. 2015 PMID: 25741868, with internal and published modifications).

NM_017780.4(CHD7):c.7488T>C (p.His2496=)

Gene: CHD7 (chromodomain helicase DNA binding protein 7; plus strand). Cytogenetic location: 8q12.2.
Variant type: single nucleotide variant.
Coding change: c.7488T>C on transcript NM_017780.4 (MANE Select); coding-DNA position 7488, T replaced by C.
Protein change: p.His2496=; no amino-acid change (histidine 2496 retained).
Molecular consequence: synonymous variant. On other transcripts: intron variant (1).
Genome position (GRCh38, 1-based): chr8:60,856,768, T>C. VCF-style: chr8-60856768-T-C. GRCh37 (hg19) VCF-style: chr8-61769327-T-C.
Other names: c.1717-5461T>C (NM_001316690.1); c.7488T>C (NM_017780.3).
Identifiers: ClinVar variation 1593855 (VCV001593855.9), dbSNP rs995534410, ClinGen allele CA177322129.